The following is an entry in ClinVar:

NM_001999.4(FBN2):c.5917+9T>G

Gene: FBN2 (fibrillin 2; minus strand). Cytogenetic location: 5q23.3.
Variant type: single nucleotide variant.
Coding change: c.5917+9T>G on transcript NM_001999.4 (MANE Select); 9 bases into the intron after coding-DNA position 5917, T replaced by G.
Molecular consequence: intron variant.
Genome position (GRCh38, 1-based): chr5:128,302,964, A>C on the plus strand (T>G on the coding strand, the complement: FBN2 is on the minus strand). VCF-style: chr5-128302964-A-C. GRCh37 (hg19) VCF-style: chr5-127638656-A-C.
Identifiers: ClinVar variation 220686 (VCV000220686.27), dbSNP rs371439173, ClinGen allele CA350049.

ClinVar aggregate classification (germline): Conflicting classifications of pathogenicity. Review status: criteria provided, conflicting classifications (1 of 4 stars). 6 submissions from 6 submitters: Uncertain significance (1); Benign (1); Likely benign (3). 1 of the submissions does not count toward it. Last evaluated 2025-12-24.

Conditions:
Congenital contractural arachnodactyly (CCA). Also called: BEALS SYNDROME; Beals-Hecht syndrome; Arthrogryposis, distal, type 9. Identifiers: Orphanet 115, MedGen C0220668, MONDO:0007363, OMIM 121050.
FBN2-related disorder. Also called: FBN2-related condition.

Allele frequency attached by ClinVar (database versions not stated): gnomAD exomes 0.00002 and 0.00007; ExAC 0.00012; gnomAD 0.00021 and 0.00022; TOPMed 0.00026; ESP Exome Variant Server 0.00038.
gnomAD v4.1: 91 of 1,351,402 alleles (0.0067%); highest among the groups gnomAD compares: African/African-American, 0.047%; no homozygotes.

Submissions (6):

Labcorp Genetics (formerly Invitae), Labcorp
Classification: Likely benign for Congenital contractural arachnodactyly. Last evaluated: 2025-12-24. Review status: criteria provided, single submitter. Criteria: Invitae Variant Classification Sherloc (09022015). Collection method: clinical testing. Allele origin: germline.

Blueprint Genetics
Classification: Likely benign. Last evaluated: 2024-07-02. Review status: criteria provided, single submitter. Criteria: ACMG Guidelines, 2015. Collection method: clinical testing. Allele origin: germline.

ARUP Laboratories, Molecular Genetics and Genomics, ARUP Laboratories
Classification: Uncertain significance. Last evaluated: 2023-03-06. Review status: criteria provided, single submitter. Criteria: ARUP Molecular Germline Variant Investigation Process 2024. Collection method: clinical testing. Allele origin: germline.
Comment: The FBN2 c.5917+9T>G variant (rs371439173), to our knowledge, has not been reported in the medical literature but is reported in ClinVar (Variation ID: 220686). This variant is found in the general population with an allele frequency in East Asian populations of 0.06% (12/19952 alleles) in the Genome Aggregation Database. This is an intronic variant in a weakly conserved nucleotide, but computational analyses (Alamut v.2.11) predict that this variant may impact splicing by creating a novel cryptic donor splice site, although RNA studies would be required to confirm this. Due to limited information, the clinical significance of the c.5917+9T>G variant is uncertain at this time.

Illumina Laboratory Services, Illumina
Classification: Likely benign for Congenital contractural arachnodactyly. Last evaluated: 2018-01-13. Review status: criteria provided, single submitter. Criteria: ICSL Variant Classification Criteria 13 December 2019. Collection method: clinical testing. Allele origin: germline.
Comment: This variant was observed in the ICSL laboratory as part of a predisposition screen in an ostensibly healthy population. It had not been previously curated by ICSL or reported in the Human Gene Mutation Database (HGMD: prior to June 1st, 2018), and was therefore a candidate for classification through an automated scoring system. Utilizing variant allele frequency, disease prevalence and penetrance estimates, and inheritance mode, an automated score was calculated to assess if this variant is too frequent to cause the disease. Based on the score and internal cut-off values, a variant classified as likely benign is not then subjected to further curation. The score for this variant resulted in a classification of likely benign for this disease.

GeneDx
Classification: Benign. Last evaluated: 2017-09-20. Review status: criteria provided, single submitter. Criteria: GeneDx Variant Classification (06012015). Collection method: clinical testing. Allele origin: germline. Affected: yes.
Comment: This variant is considered likely benign or benign based on one or more of the following criteria: it is a conservative change, it occurs at a poorly conserved position in the protein, it is predicted to be benign by multiple in silico algorithms, and/or has population frequency not consistent with disease.

PreventionGenetics, part of Exact Sciences
Classification: Likely benign for FBN2-related condition. Last evaluated: 2020-09-06. Review status: no assertion criteria provided. Collection method: clinical testing. Allele origin: germline. Not counted in ClinVar's aggregate classification.
Comment: This variant is classified as likely benign based on ACMG/AMP sequence variant interpretation guidelines (Richards et al. 2015 PMID: 25741868, with internal and published modifications).